The following is an entry in ClinVar:

ClinVar aggregate classification (germline): Uncertain significance (1 of 4 stars; one submission).

Conditions:
Inborn genetic diseases. Identifiers: MedGen C0950123, MeSH D030342.

Allele frequency attached by ClinVar (database versions not stated): gnomAD exomes below 0.00001; TOPMed below 0.00001; gnomAD 0.00001.
gnomAD v4.1: 9 of 1,613,770 alleles (0.00056%); highest among the groups gnomAD compares: Admixed American, 0.0017%; no homozygotes.

Submission:

Ambry Genetics
Classification: Uncertain significance for Inborn genetic diseases. Last evaluated: 2022-09-30. Review status: criteria provided, single submitter. Criteria: Ambry Variant Classification Scheme 2023. Collection method: clinical testing. Allele origin: germline.
Comment: Occurs in the last base pair of the exon Based on insufficient or conflicting evidence, the clinical significance of this alteration remains unclear.

NM_003128.3(SPTBN1):c.647G>A (p.Arg216Gln)

Gene: SPTBN1 (spectrin beta, non-erythrocytic 1; plus strand). Cytogenetic location: 2p16.2.
Variant type: single nucleotide variant.
Coding change: c.647G>A on transcript NM_003128.3 (MANE Select); coding-DNA position 647, G replaced by A.
Protein change: p.Arg216Gln; replaces arginine 216 with glutamine.
Molecular consequence: missense variant.
Genome position (GRCh38, 1-based): chr2:54,617,688, G>A. VCF-style: chr2-54617688-G-A. GRCh37 (hg19) VCF-style: chr2-54844825-G-A.
Other names: c.608G>A, p.Arg203Gln (NM_178313.3); short protein forms R216Q, R203Q.
Identifiers: ClinVar variation 2308707 (VCV002308707.2), dbSNP rs1201141791, ClinGen allele CA346862482.